The following is an entry in ClinVar:

ClinVar aggregate classification (germline): Pathogenic/Likely pathogenic. Review status: criteria provided, multiple submitters, no conflicts (2 of 4 stars). 2 submissions from 2 submitters: Pathogenic (1); Likely pathogenic (1). Last evaluated 2025-07-01.

Conditions:
Kabuki syndrome. Also called: Kabuki make-up syndrome; NIIKAWA-KUROKI SYNDROME. Identifiers: Orphanet 2322, MedGen C0796004, MONDO:0016512.
KMT2D-related disorder. Also called: KMT2D-Related Disorders.

Submissions (2):

PreventionGenetics, part of Exact Sciences
Classification: Likely pathogenic for KMT2D-related condition. Last evaluated: 2025-07-01. Review status: criteria provided, single submitter. Criteria: ACMG Guidelines, 2015. Collection method: clinical testing. Allele origin: germline.
Comment: The KMT2D c.11902C>T variant is predicted to result in premature protein termination (p.Gln3968*). To our knowledge, this variant has not been reported in the literature or in a large population database (gnomAD), indicating this variant is rare. Nonsense variants in KMT2D are expected to be pathogenic. This variant is interpreted as likely pathogenic.

Labcorp Genetics (formerly Invitae), Labcorp
Classification: Pathogenic for Kabuki syndrome. Last evaluated: 2021-06-19. Review status: criteria provided, single submitter. Criteria: Invitae Variant Classification Sherloc (09022015). Collection method: clinical testing. Allele origin: germline.
Comment: This sequence change creates a premature translational stop signal (p.Gln3968*) in the KMT2D gene. It is expected to result in an absent or disrupted protein product. This variant is not present in population databases (ExAC no frequency). For these reasons, this variant has been classified as Pathogenic. Loss-of-function variants in KMT2D are known to be pathogenic (PMID: 22126750).

Literature cited by the submitters: PubMed 22126750 (cited by Labcorp Genetics (formerly Invitae), Labcorp).

NM_003482.4(KMT2D):c.11902C>T (p.Gln3968Ter)

Gene: KMT2D (lysine methyltransferase 2D; minus strand). Cytogenetic location: 12q13.12.
Variant type: single nucleotide variant.
Coding change: c.11902C>T on transcript NM_003482.4 (MANE Select); coding-DNA position 11902, C replaced by T.
Protein change: p.Gln3968Ter; replaces glutamine 3968 with a stop codon.
Molecular consequence: nonsense.
Genome position (GRCh38, 1-based): chr12:49,032,803, G>A on the plus strand (C>T on the coding strand, the complement: KMT2D is on the minus strand). VCF-style: chr12-49032803-G-A. GRCh37 (hg19) VCF-style: chr12-49426586-G-A.
Other names: short protein forms Q3968*.
Identifiers: ClinVar variation 951212 (VCV000951212.10), dbSNP rs1942993834, ClinGen allele CA384714241.
Genomic context (GRCh38, chr12:49,032,803, plus strand): 5'-GAGGAGACAGTAAAGTTCGACTCTGGTTTAAAAGGCCCATCTGCTGCTGTTGCTGCTGCT[G>A]TTGAAACTGCTGCTGTTGTTGTTGCTGTTGCTGTTGTAGCTGCTGTTGCTGCTGTTGAAG-3'